The following is an entry in ClinVar:

ClinVar aggregate classification (germline): Uncertain significance. Review status: criteria provided, multiple submitters, no conflicts (2 of 4 stars). 2 submissions from 2 submitters: Uncertain significance (2). Last evaluated 2023-11-30.

Conditions:
Charcot-Marie-Tooth disease type 2. Also called: Charcot-Marie-Tooth type 2. Identifiers: Orphanet 64746, MedGen C0270914, MONDO:0018993.
Primary dilated cardiomyopathy (DCM). Also called: Dilated Cardiomyopathy. Identifiers: Orphanet 217604, MedGen C0007193, MeSH D002311, MONDO:0005021, HP:0001644. Inheritance: Various modes of inheritance.

Allele frequency attached by ClinVar (database versions not stated): gnomAD exomes below 0.00001.
gnomAD v4.1: 2 of 1,611,998 alleles (0.00012%); highest among the groups gnomAD compares: Non-Finnish European, 0.00017%; no homozygotes.

Submissions (2):

All of Us Research Program, National Institutes of Health
Classification: Uncertain significance for Primary dilated cardiomyopathy. Last evaluated: 2023-11-30. Review status: criteria provided, single submitter. Criteria: ACMG Guidelines, 2015. Collection method: clinical testing. Allele origin: germline. Inheritance: Autosomal dominant inheritance. Observed: 1 variant allele, 1 heterozygote.
Comment: This study involves interpretation of variants in research participants for the purpose of population health screening. Participant phenotype was not available at the time of variant classification. Additional details can be found in publication PMID: 35346344, PMCID: PMC8962531

Labcorp Genetics (formerly Invitae), Labcorp
Classification: Uncertain significance for Charcot-Marie-Tooth disease type 2. Last evaluated: 2020-10-09. Review status: criteria provided, single submitter. Criteria: Invitae Variant Classification Sherloc (09022015). Collection method: clinical testing. Allele origin: germline.
Comment: This variant is not present in population databases (ExAC no frequency). This sequence change replaces glycine with aspartic acid at codon 413 of the LMNA protein (p.Gly413Asp). The glycine residue is moderately conserved and there is a moderate physicochemical difference between glycine and aspartic acid. Algorithms developed to predict the effect of missense changes on protein structure and function (SIFT, PolyPhen-2, Align-GVGD) all suggest that this variant is likely to be tolerated, but these predictions have not been confirmed by published functional studies and their clinical significance is uncertain. This variant has not been reported in the literature in individuals with LMNA-related conditions. In summary, the available evidence is currently insufficient to determine the role of this variant in disease. Therefore, it has been classified as a Variant of Uncertain Significance.

NM_170707.4(LMNA):c.1238G>A (p.Gly413Asp)

Gene: LMNA (lamin A/C; plus strand). Cytogenetic location: 1q22.
Variant type: single nucleotide variant.
Coding change: c.1238G>A on transcript NM_170707.4 (MANE Select); coding-DNA position 1238, G replaced by A.
Protein change: p.Gly413Asp; replaces glycine 413 with aspartic acid.
Molecular consequence: missense variant.
Genome position (GRCh38, 1-based): chr1:156,136,294, G>A. VCF-style: chr1-156136294-G-A. GRCh37 (hg19) VCF-style: chr1-156106085-G-A.
Other names: c.902G>A, p.Gly301Asp (NM_001257374.3); c.995G>A, p.Gly332Asp (NM_001282624.2); c.1238G>A, p.Gly413Asp (NM_001282625.2, NM_001282626.2, NM_005572.4 and 1 more transcripts); short protein forms G301D, G332D, G413D.
Identifiers: ClinVar variation 1043785 (VCV001043785.9), dbSNP rs1350031185, ClinGen allele CA342821311.